The following is an entry in ClinVar:

ClinVar aggregate classification (germline): Uncertain significance (1 of 4 stars; one submission).

Submission:

Labcorp Genetics (formerly Invitae), Labcorp
Classification: Uncertain significance. Last evaluated: 2021-09-17. Review status: criteria provided, single submitter. Criteria: Invitae Variant Classification Sherloc (09022015). Collection method: clinical testing. Allele origin: germline.
Comment: This sequence change falls in intron 1 of the RHO gene. It does not directly change the encoded amino acid sequence of the RHO protein. It affects a nucleotide within the consensus splice site of the intron. This variant is not present in population databases (ExAC no frequency). This variant has not been reported in the literature in individuals affected with RHO-related conditions. Variants that disrupt the consensus splice site are a relatively common cause of aberrant splicing (PMID: 17576681, 9536098). Algorithms developed to predict the effect of sequence changes on RNA splicing suggest that this variant may disrupt the consensus splice site. In summary, the available evidence is currently insufficient to determine the role of this variant in disease. Therefore, it has been classified as a Variant of Uncertain Significance.

Literature cited by the submitters: PubMed 17576681; PubMed 9536098.

NM_000539.3(RHO):c.361+5G>A

Gene: RHO (rhodopsin; plus strand). Cytogenetic location: 3q22.1.
Variant type: single nucleotide variant.
Coding change: c.361+5G>A on transcript NM_000539.3 (MANE Select); 5 bases into the intron after coding-DNA position 361, G replaced by A.
Molecular consequence: intron variant.
Genome position (GRCh38, 1-based): chr3:129,529,099, G>A. VCF-style: chr3-129529099-G-A. GRCh37 (hg19) VCF-style: chr3-129247942-G-A.
Identifiers: ClinVar variation 1406125 (VCV001406125.6), dbSNP rs2084759494, ClinGen allele CA1401206284.